The following is an entry in ClinVar:

ClinVar aggregate classification (germline): Uncertain significance (1 of 4 stars; one submission).

Conditions:
Hereditary cancer-predisposing syndrome. Also called: Neoplastic Syndromes, Hereditary; Tumor predisposition; Hereditary neoplastic syndrome; Hereditary Cancer Syndrome. Identifiers: Orphanet 140162, MedGen C0027672, MeSH D009386, MONDO:0015356.

Submission:

Ambry Genetics
Classification: Uncertain significance for Hereditary cancer-predisposing syndrome. Last evaluated: 2026-07-22. Review status: criteria provided, single submitter. Criteria: Ambry Variant Classification Scheme 2023. Collection method: clinical testing. Allele origin: germline.
Comment: The p.Q941H variant (also known as c.2823G>C), located in coding exon 17 of the RAD50 gene, results from a G to C substitution at nucleotide position 2823. The glutamine at codon 941 is replaced by histidine, an amino acid with highly similar properties. This amino acid position is conserved. In addition, this alteration is predicted to be tolerated by in silico analysis. Based on the available evidence, the clinical significance of this variant remains unclear.

NM_005732.4(RAD50):c.2823G>C (p.Gln941His)

Gene: RAD50 (RAD50 double strand break repair protein; plus strand). Cytogenetic location: 5q31.1.
Variant type: single nucleotide variant.
Coding change: c.2823G>C on transcript NM_005732.4 (MANE Select); coding-DNA position 2823, G replaced by C.
Protein change: p.Gln941His; replaces glutamine 941 with histidine.
Molecular consequence: missense variant.
Genome position (GRCh38, 1-based): chr5:132,608,719, G>C. VCF-style: chr5-132608719-G-C. GRCh37 (hg19) VCF-style: chr5-131944411-G-C.
Other names: short protein forms Q941H.
Identifiers: ClinVar variation 5027723 (VCV005027723.1).